The following is an entry in ClinVar:

ClinVar aggregate classification (germline): Uncertain significance. Review status: criteria provided, multiple submitters, no conflicts (2 of 4 stars). 2 submissions from 2 submitters: Uncertain significance (2). Last evaluated 2024-11-19.

Conditions:
Nemaline myopathy 2 (NEM2). Also called: Nemaline myopathy 2, autosomal recessive. Identifiers: MedGen C1850569, MONDO:0009725, OMIM 256030.

Allele frequency attached by ClinVar (database versions not stated): ExAC 0.00001.
gnomAD v4.1: 4 of 1,613,818 alleles (0.00025%); highest among the groups gnomAD compares: Admixed American, 0.0017%; no homozygotes.

Submissions (2):

Revvity Omics, Revvity
Classification: Uncertain significance. Last evaluated: 2024-11-19. Review status: criteria provided, single submitter. Criteria: ACMG Guidelines, 2015. Collection method: clinical testing. Allele origin: germline.

Labcorp Genetics (formerly Invitae), Labcorp
Classification: Uncertain significance for Nemaline myopathy 2. Last evaluated: 2022-10-17. Review status: criteria provided, single submitter. Criteria: Invitae Variant Classification Sherloc (09022015). Collection method: clinical testing. Allele origin: germline.
Comment: This sequence change replaces tyrosine, which is neutral and polar, with cysteine, which is neutral and slightly polar, at codon 3862 of the NEB protein (p.Tyr3862Cys). The frequency data for this variant in the population databases is considered unreliable, as metrics indicate poor data quality at this position in the gnomAD database. This variant has not been reported in the literature in individuals affected with NEB-related conditions. Algorithms developed to predict the effect of missense changes on protein structure and function are either unavailable or do not agree on the potential impact of this missense change (SIFT: "Deleterious"; PolyPhen-2: "Not Available"; Align-GVGD: "Class C0"). In summary, the available evidence is currently insufficient to determine the role of this variant in disease. Therefore, it has been classified as a Variant of Uncertain Significance.

NM_001164508.2(NEB):c.11585A>G (p.Tyr3862Cys)

Gene: NEB (nebulin; minus strand). Cytogenetic location: 2q23.3.
Variant type: single nucleotide variant.
Coding change: c.11585A>G on transcript NM_001164508.2 (MANE Select); coding-DNA position 11585, A replaced by G.
Protein change: p.Tyr3862Cys; replaces tyrosine 3862 with cysteine.
Molecular consequence: missense variant.
Genome position (GRCh38, 1-based): chr2:151,614,292, T>C on the plus strand (A>G on the coding strand, the complement: NEB is on the minus strand). VCF-style: chr2-151614292-T-C. GRCh37 (hg19) VCF-style: chr2-152470806-T-C.
Other names: c.11585A>G, p.Tyr3862Cys (NM_001164507.2, NM_001271208.2); c.10856A>G, p.Tyr3619Cys (NM_004543.5); short protein forms Y3619C, Y3862C.
Identifiers: ClinVar variation 1952477 (VCV001952477.3), dbSNP rs769949903, ClinGen allele CA1908728.